The following is an entry in ClinVar:

ClinVar aggregate classification (germline): Uncertain significance. Review status: criteria provided, multiple submitters, no conflicts (2 of 4 stars). 2 submissions from 2 submitters: Uncertain significance (2). Last evaluated 2025-10-23.

Conditions:
Primary dilated cardiomyopathy (DCM). Also called: Dilated Cardiomyopathy. Identifiers: Orphanet 217604, MedGen C0007193, MeSH D002311, MONDO:0005021, HP:0001644. Inheritance: Various modes of inheritance.
Hypertrophic cardiomyopathy. Also called: HYPERTROPHIC MYOCARDIOPATHY. Identifiers: Orphanet 217569, MedGen C0007194, MeSH D002312, MONDO:0005045, HP:0001639.

Allele frequency attached by ClinVar (database versions not stated): gnomAD exomes 0.00002; ExAC 0.00003; ESP Exome Variant Server 0.00008; gnomAD 0.00003; TOPMed 0.00006.
gnomAD v4.1: 40 of 1,614,100 alleles (0.0025%); highest among the groups gnomAD compares: Non-Finnish European, 0.0028%; no homozygotes.

Submissions (2):

Labcorp Genetics (formerly Invitae), Labcorp
Classification: Uncertain significance for Hypertrophic cardiomyopathy; Primary dilated cardiomyopathy. Last evaluated: 2025-10-23. Review status: criteria provided, single submitter. Criteria: Invitae Variant Classification Sherloc (09022015). Collection method: clinical testing. Allele origin: germline.
Comment: This sequence change replaces alanine, which is neutral and non-polar, with threonine, which is neutral and polar, at codon 345 of the PDLIM3 protein (p.Ala345Thr). This variant is present in population databases (rs373408599, gnomAD 0.007%). This variant has not been reported in the literature in individuals affected with PDLIM3-related conditions. ClinVar contains an entry for this variant (Variation ID: 579350). Invitae Evidence Modeling of protein sequence and biophysical properties (such as structural, functional, and spatial information, amino acid conservation, physicochemical variation, residue mobility, and thermodynamic stability) indicates that this missense variant is expected to disrupt PDLIM3 protein function with a positive predictive value of 80%. In summary, the available evidence is currently insufficient to determine the role of this variant in disease. Therefore, it has been classified as a Variant of Uncertain Significance.

Ambry Genetics
Classification: Uncertain significance. Last evaluated: 2025-05-19. Review status: criteria provided, single submitter. Criteria: Ambry Variant Classification Scheme 2023. Collection method: clinical testing. Allele origin: germline.

NM_014476.6(PDLIM3):c.1033G>A (p.Ala345Thr)

Gene: PDLIM3 (PDZ and LIM domain 3; minus strand). Cytogenetic location: 4q35.1.
Variant type: single nucleotide variant.
Coding change: c.1033G>A on transcript NM_014476.6 (MANE Select); coding-DNA position 1033, G replaced by A.
Protein change: p.Ala345Thr; replaces alanine 345 with threonine.
Molecular consequence: missense variant. On other transcripts: non-coding transcript variant (1).
Genome position (GRCh38, 1-based): chr4:185,502,356, C>T on the plus strand (G>A on the coding strand, the complement: PDLIM3 is on the minus strand). VCF-style: chr4-185502356-C-T. GRCh37 (hg19) VCF-style: chr4-186423510-C-T.
Other names: c.889G>A, p.Ala297Thr (NM_001114107.5); c.769G>A, p.Ala257Thr (NM_001257962.2); c.532G>A, p.Ala178Thr (NM_001257963.2); short protein forms A345T, A257T, A178T, A297T.
Identifiers: ClinVar variation 579350 (VCV000579350.12), dbSNP rs373408599, ClinGen allele CA3159603.
Genomic context (GRCh38, chr4:185,502,356, plus strand): 5'-AAGCTTTGGGATACAGAGTGACCGTGTCATAGCCCTCTGGGGGCTTTGTGCGGGCTCTTG[C>T]GTGGGTTTCGCAGTACAGCTCCCCTTCTATGAAGAAGTAGCCCTTTTGCTTGAGGTTGAG-3'
Protein context (NP_055291.2, residues 335-355): IEGELYCETH[Ala345Thr]RARTKPPEGY